The following is an entry in ClinVar:

ClinVar aggregate classification (germline): Benign. Review status: criteria provided, multiple submitters, no conflicts (2 of 4 stars). 3 submissions from 3 submitters: Benign (3). Last evaluated 2023-11-12.

Allele frequency attached by ClinVar (database versions not stated): 1000 Genomes Project 30x 0.47267; 1000 Genomes Project 0.47504; TOPMed 0.58334; gnomAD 0.60548 and 0.61051; gnomAD exomes 0.70684.
gnomAD v4.1: 1,053,423 of 1,513,272 alleles (70%); highest among the groups gnomAD compares: Non-Finnish European, 75%; 378,833 homozygotes.

Submissions (3):

Unidad de Genómica Garrahan, Hospital de Pediatría Garrahan
Classification: Benign. Last evaluated: 2023-11-12. Review status: criteria provided, single submitter. Criteria: ACMG Guidelines, 2015. Collection method: clinical testing. Allele origin: germline. Affected: no. Observed: 83 variant alleles.
Comment: This variant is classified as Benign based on local population frequency. This variant was detected in 86% of patients studied by a panel of primary immunodeficiencies. Number of patients: 83. Only high quality variants are reported.

GeneDx
Classification: Benign. Last evaluated: 2021-06-19. Review status: criteria provided, single submitter. Criteria: GeneDx Variant Classification Process June 2021. Collection method: clinical testing. Allele origin: germline. Affected: yes.

Breakthrough Genomics
Classification: Benign. Review status: criteria provided, single submitter. Criteria: ACMG Guidelines, 2015. Collection method: not provided. Allele origin: germline. Inheritance: Autosomal recessive inheritance. Affected: yes.

NM_018344.6(SLC29A3):c.384-61G>T

Gene: SLC29A3 (solute carrier family 29 member 3; plus strand). Cytogenetic location: 10q22.1.
Variant type: single nucleotide variant.
Coding change: c.384-61G>T on transcript NM_018344.6 (MANE Select); 61 bases into the intron before coding-DNA position 384, G replaced by T.
Molecular consequence: intron variant.
Genome position (GRCh38, 1-based): chr10:71,351,501, G>T. VCF-style: chr10-71351501-G-T. GRCh37 (hg19) VCF-style: chr10-73111258-G-T.
Other names: c.150-61G>T (NM_001363518.2); c.384-61G>T (NM_001174098.2).
Identifiers: ClinVar variation 1237968 (VCV001237968.6), dbSNP rs780667, ClinGen allele CA13159164.